The following is an entry in ClinVar:

NM_198578.4(LRRK2):c.2711T>C (p.Val904Ala)

Gene: LRRK2 (leucine rich repeat kinase 2; plus strand). Cytogenetic location: 12q12.
Variant type: single nucleotide variant.
Coding change: c.2711T>C on transcript NM_198578.4 (MANE Select); coding-DNA position 2711, T replaced by C.
Protein change: p.Val904Ala; replaces valine 904 with alanine.
Molecular consequence: missense variant.
Genome position (GRCh38, 1-based): chr12:40,293,566, T>C. VCF-style: chr12-40293566-T-C. GRCh37 (hg19) VCF-style: chr12-40687368-T-C.
Other names: short protein forms V904A.
Identifiers: ClinVar variation 3229571 (VCV003229571.1), dbSNP rs1177645075, ClinGen allele CA384410674.

ClinVar aggregate classification (germline): Uncertain significance (1 of 4 stars; one submission).

Conditions:
Inborn genetic diseases. Identifiers: MedGen C0950123, MeSH D030342.

Allele frequency attached by ClinVar (database versions not stated): gnomAD exomes below 0.00001.
gnomAD v4.1: 1 of 1,608,244 alleles (0.000062%); highest among the groups gnomAD compares: Admixed American, 0.0017%; no homozygotes.

Submission:

Ambry Genetics
Classification: Uncertain significance for Inborn genetic diseases. Last evaluated: 2023-12-08. Review status: criteria provided, single submitter. Criteria: Ambry Variant Classification Scheme 2023. Collection method: clinical testing. Allele origin: germline.
Comment: The p.V904A variant (also known as c.2711T>C), located in coding exon 21 of the LRRK2 gene, results from a T to C substitution at nucleotide position 2711. The valine at codon 904 is replaced by alanine, an amino acid with similar properties. This amino acid position is conserved. In addition, this alteration is predicted to be tolerated by in silico analysis. Since supporting evidence is limited at this time, the clinical significance of this alteration remains unclear.